The following is an entry in ClinVar:

NM_021942.6(TRAPPC11):c.143G>A (p.Arg48Gln)

Gene: TRAPPC11 (trafficking protein particle complex subunit 11; plus strand). Cytogenetic location: 4q35.1.
Variant type: single nucleotide variant.
Coding change: c.143G>A on transcript NM_021942.6 (MANE Select); coding-DNA position 143, G replaced by A.
Protein change: p.Arg48Gln; replaces arginine 48 with glutamine.
Molecular consequence: missense variant.
Genome position (GRCh38, 1-based): chr4:183,664,010, G>A. VCF-style: chr4-183664010-G-A. GRCh37 (hg19) VCF-style: chr4-184585163-G-A.
Other names: c.143G>A, p.Arg48Gln (NM_199053.3); c.143G>A (NM_021942.4); short protein forms R48Q.
Identifiers: ClinVar variation 574246 (VCV000574246.8), dbSNP rs1473309875, ClinGen allele CA358858534.

ClinVar aggregate classification (germline): Uncertain significance. Review status: criteria provided, multiple submitters, no conflicts (2 of 4 stars). 3 submissions from 3 submitters: Uncertain significance (3). Last evaluated 2025-09-02.

Conditions:
Inborn genetic diseases. Identifiers: MedGen C0950123, MeSH D030342.
Autosomal recessive limb-girdle muscular dystrophy type R18 (LGMDR18). Also called: Limb-girdle muscular dystrophy, type 2S; MUSCULAR DYSTROPHY, LIMB-GIRDLE, AUTOSOMAL RECESSIVE 18; Autosomal recessive limb-girdle muscular dystrophy type 2S. Identifiers: Orphanet 369840, MedGen C4517996, MONDO:0014144, OMIM 615356.

Allele frequency attached by ClinVar (database versions not stated): gnomAD 0.00001 and 0.00002; TOPMed 0.00002; gnomAD exomes 0.00003.
gnomAD v4.1: 168 of 1,613,758 alleles (0.01%); highest among the groups gnomAD compares: Non-Finnish European, 0.013%; no homozygotes.

Submissions (3):

Labcorp Genetics (formerly Invitae), Labcorp
Classification: Uncertain significance for Autosomal recessive limb-girdle muscular dystrophy type R18. Last evaluated: 2025-09-02. Review status: criteria provided, single submitter. Criteria: Invitae Variant Classification Sherloc (09022015). Collection method: clinical testing. Allele origin: germline.
Comment: This sequence change replaces arginine, which is basic and polar, with glutamine, which is neutral and polar, at codon 48 of the TRAPPC11 protein (p.Arg48Gln). This variant is present in population databases (no rsID available, gnomAD 0.01%). This variant has not been reported in the literature in individuals affected with TRAPPC11-related conditions. ClinVar contains an entry for this variant (Variation ID: 574246). Invitae Evidence Modeling of protein sequence and biophysical properties (such as structural, functional, and spatial information, amino acid conservation, physicochemical variation, residue mobility, and thermodynamic stability) indicates that this missense variant is expected to disrupt TRAPPC11 protein function with a positive predictive value of 80%. In summary, the available evidence is currently insufficient to determine the role of this variant in disease. Therefore, it has been classified as a Variant of Uncertain Significance.

Revvity Omics, Revvity
Classification: Uncertain significance for Autosomal recessive limb-girdle muscular dystrophy type R18. Last evaluated: 2025-01-29. Review status: criteria provided, single submitter. Criteria: ACMG Guidelines, 2015. Collection method: clinical testing. Allele origin: germline.

Ambry Genetics
Classification: Uncertain significance for Inborn genetic diseases. Last evaluated: 2022-11-07. Review status: criteria provided, single submitter. Criteria: Ambry Variant Classification Scheme 2023. Collection method: clinical testing. Allele origin: germline.